The following is an entry in ClinVar:

ClinVar aggregate classification (germline): Uncertain significance (1 of 4 stars; one submission).

Submission:

Labcorp Genetics (formerly Invitae), Labcorp
Classification: Uncertain significance. Last evaluated: 2022-05-12. Review status: criteria provided, single submitter. Criteria: Invitae Variant Classification Sherloc (09022015). Collection method: clinical testing. Allele origin: germline.
Comment: This sequence change replaces isoleucine, which is neutral and non-polar, with methionine, which is neutral and non-polar, at codon 889 of the ZSWIM6 protein (p.Ile889Met). This variant is not present in population databases (gnomAD no frequency). In summary, the available evidence is currently insufficient to determine the role of this variant in disease. Therefore, it has been classified as a Variant of Uncertain Significance. Algorithms developed to predict the effect of missense changes on protein structure and function are either unavailable or do not agree on the potential impact of this missense change (SIFT: "Tolerated"; PolyPhen-2: "Possibly Damaging"; Align-GVGD: "Class C0"). This variant has not been reported in the literature in individuals affected with ZSWIM6-related conditions.

NM_020928.2(ZSWIM6):c.2667C>G (p.Ile889Met)

Gene: ZSWIM6 (zinc finger SWIM-type containing 6; plus strand). Cytogenetic location: 5q12.1.
Variant type: single nucleotide variant.
Coding change: c.2667C>G on transcript NM_020928.2 (MANE Select); coding-DNA position 2667, C replaced by G.
Protein change: p.Ile889Met; replaces isoleucine 889 with methionine.
Molecular consequence: missense variant.
Genome position (GRCh38, 1-based): chr5:61,539,723, C>G. VCF-style: chr5-61539723-C-G. GRCh37 (hg19) VCF-style: chr5-60835550-C-G.
Other names: short protein forms I889M.
Identifiers: ClinVar variation 1993829 (VCV001993829.4), dbSNP rs2478394289, ClinGen allele CA359945873.